The following is an entry in ClinVar:

NM_002768.5(CHMP1A):c.346G>C (p.Glu116Gln)

Gene: CHMP1A (charged multivesicular body protein 1A; minus strand). Cytogenetic location: 16q24.3.
Variant type: single nucleotide variant.
Coding change: c.346G>C on transcript NM_002768.5 (MANE Select); coding-DNA position 346, G replaced by C.
Protein change: p.Glu116Gln; replaces glutamic acid 116 with glutamine.
Molecular consequence: missense variant. On other transcripts: non-coding transcript variant (1).
Genome position (GRCh38, 1-based): chr16:89,647,238, C>G on the plus strand (G>C on the coding strand, the complement: CHMP1A is on the minus strand). VCF-style: chr16-89647238-C-G. GRCh37 (hg19) VCF-style: chr16-89713646-C-G.
Other names: c.326G>C, p.Arg109Pro (NM_001083314.4); short protein forms E116Q, R109P.
Identifiers: ClinVar variation 420646 (VCV000420646.2), dbSNP rs1064794609, ClinGen allele CA16620311.

ClinVar aggregate classification (germline): Uncertain significance (1 of 4 stars; one submission).

gnomAD v4.1: 4 of 1,609,268 alleles (0.00025%); highest among the groups gnomAD compares: Admixed American, 0.0017%; no homozygotes.

Submission:

GeneDx
Classification: Uncertain significance. Last evaluated: 2016-03-21. Review status: criteria provided, single submitter. Criteria: GeneDx Variant Classification (06012015). Collection method: clinical testing. Allele origin: germline. Affected: yes.
Comment: A variant of uncertain significance has been identified in the CHMP1A gene. The E116Q variant has not been published as a pathogenic variant, nor has it been reported as a benign variant to our knowledge. It was not observed in approximately 6,300 individuals of European and African American ancestry in the NHLBI Exome Sequencing Project, indicating it is not a common benign variant in these populations. The E116Q variant is a semi-conservative amino acid substitution, which may impact secondary protein structure as these residues differ in some properties. This substitution occurs at a position that is conserved in mammals; however, Glutamine is observed at this position in evolution. In silico analysis is inconsistent in its predictions as to whether or not the variant is damaging to the protein structure/function. Therefore, based on the currently available information, it is unclear whether this variant is a pathogenic variant or a rare benign variant.